The following is an entry in ClinVar:

NM_000444.6(PHEX):c.1398dup (p.Glu467fs)

Gene: PHEX (phosphate regulating endopeptidase X-linked; plus strand). Cytogenetic location: Xp22.11.
Variant type: Duplication.
Coding change: c.1398dup on transcript NM_000444.6 (MANE Select); coding-DNA position 1398, one base duplicated (A; older notation c.1398dupA).
Protein change: p.Glu467fs; shifts the reading frame from glutamic acid 467.
Molecular consequence: frameshift variant.
Genome position (GRCh38, 1-based): chrX:22,133,618, A duplicated; the last of 3 consecutive A bases (chrX:22,133,616-22,133,618); duplicating any one gives the same sequence. VCF-style (leftmost placement, unchanged base first): chrX-22133615-C-CA. GRCh37 (hg19) VCF-style: chrX-22151732-C-CA.
Other names: c.1398dup, p.Glu467fs (NM_001282754.2); short protein forms E467fs.
Identifiers: ClinVar variation 1069459 (VCV001069459.7), dbSNP rs2147086570, ClinGen allele CA2499226576.

ClinVar aggregate classification (germline): Pathogenic (1 of 4 stars; one submission).

Submission:

Labcorp Genetics (formerly Invitae), Labcorp
Classification: Pathogenic. Last evaluated: 2020-10-08. Review status: criteria provided, single submitter. Criteria: Invitae Variant Classification Sherloc (09022015). Collection method: clinical testing. Allele origin: germline.
Comment: Loss-of-function variants in PHEX are known to be pathogenic (PMID: 9097956, 9106524, 19219621). For these reasons, this variant has been classified as Pathogenic. This variant has not been reported in the literature in individuals with PHEX-related conditions. This variant is not present in population databases (ExAC no frequency). This sequence change creates a premature translational stop signal (p.Glu467Argfs*19) in the PHEX gene. It is expected to result in an absent or disrupted protein product.

Literature cited by the submitters: PubMed 9097956; PubMed 9106524; PubMed 19219621.